The following is an entry in ClinVar:

ClinVar aggregate classification (germline): Uncertain significance (1 of 4 stars; one submission).

Conditions:
Epilepsy, familial adult myoclonic, 5 (EPEO5). Also called: CORTICAL MYOCLONIC TREMOR WITH EPILEPSY, FAMILIAL, 5. Identifiers: Orphanet 86814, MedGen C3809374, MONDO:0014167, OMIM 615400.

gnomAD v4.1: 10 of 1,614,166 alleles (0.00062%); highest among the groups gnomAD compares: South Asian, 0.011%; no homozygotes.

Submission:

Labcorp Genetics (formerly Invitae), Labcorp
Classification: Uncertain significance for Epilepsy, familial adult myoclonic, 5. Last evaluated: 2021-07-02. Review status: criteria provided, single submitter. Criteria: Invitae Variant Classification Sherloc (09022015). Collection method: clinical testing. Allele origin: germline.
Comment: In summary, the available evidence is currently insufficient to determine the role of this variant in disease. Therefore, it has been classified as a Variant of Uncertain Significance. Algorithms developed to predict the effect of missense changes on protein structure and function output the following: SIFT: "Tolerated"; PolyPhen-2: "Benign"; Align-GVGD: "Class C0". The serine amino acid residue is found in multiple mammalian species, suggesting that this missense change does not adversely affect protein function. These predictions have not been confirmed by published functional studies and their clinical significance is uncertain. This variant has not been reported in the literature in individuals with CNTN2-related conditions. This variant is not present in population databases (ExAC no frequency). This sequence change replaces proline with serine at codon 469 of the CNTN2 protein (p.Pro469Ser). The proline residue is moderately conserved and there is a moderate physicochemical difference between proline and serine.

NM_005076.5(CNTN2):c.1405C>T (p.Pro469Ser)

Gene: CNTN2 (contactin 2; plus strand). Cytogenetic location: 1q32.1.
Variant type: single nucleotide variant.
Coding change: c.1405C>T on transcript NM_005076.5 (MANE Select); coding-DNA position 1405, C replaced by T.
Protein change: p.Pro469Ser; replaces proline 469 with serine.
Molecular consequence: missense variant. On other transcripts: non-coding transcript variant (1).
Genome position (GRCh38, 1-based): chr1:205,064,636, C>T. VCF-style: chr1-205064636-C-T. GRCh37 (hg19) VCF-style: chr1-205033764-C-T.
Other names: c.1405C>T, p.Pro469Ser (NM_001346083.2); short protein forms P469S.
Identifiers: ClinVar variation 1060920 (VCV001060920.9), dbSNP rs147693556, ClinGen allele CA344375017.